The following is an entry in ClinVar:

ClinVar aggregate classification (germline): Uncertain significance (1 of 4 stars; one submission).

Conditions:
Amyloidosis, hereditary systemic 1 (AMYLD1). Also called: Familial amyloid polyneuropathy; Transthyretin Amyloidosis; Hereditary oculoleptomeningeal amyloid angiopathy; Familial Transthyretin Amyloidosis; Isolated Cardiac Amyloidosis; Amyloid Cardiomyopathy, Transthyretin-related. Identifiers: Orphanet 85447, Orphanet 85451, MedGen C2751492, MONDO:0971004, OMIM 105210.

gnomAD v4.1: 1 of 1,614,126 alleles (0.000062%); highest among the groups gnomAD compares: Non-Finnish European, 0.000085%; no homozygotes.

Submission:

Labcorp Genetics (formerly Invitae), Labcorp
Classification: Uncertain significance for Amyloidosis, hereditary systemic 1. Last evaluated: 2024-11-27. Review status: criteria provided, single submitter. Criteria: Invitae Variant Classification Sherloc (09022015). Collection method: clinical testing. Allele origin: germline.
Comment: This sequence change replaces arginine, which is basic and polar, with leucine, which is neutral and non-polar, at codon 124 of the TTR protein (p.Arg124Leu). This variant is not present in population databases (gnomAD no frequency). This variant has not been reported in the literature in individuals affected with TTR-related conditions. Invitae Evidence Modeling of protein sequence and biophysical properties (such as structural, functional, and spatial information, amino acid conservation, physicochemical variation, residue mobility, and thermodynamic stability) has been performed for this missense variant. However, the output from this modeling did not meet the statistical confidence thresholds required to predict the impact of this variant on TTR protein function. In summary, the available evidence is currently insufficient to determine the role of this variant in disease. Therefore, it has been classified as a Variant of Uncertain Significance.

NM_000371.4(TTR):c.371G>T (p.Arg124Leu)

Gene: TTR (transthyretin; plus strand). Cytogenetic location: 18q12.1.
Variant type: single nucleotide variant.
Coding change: c.371G>T on transcript NM_000371.4 (MANE Select); coding-DNA position 371, G replaced by T.
Protein change: p.Arg124Leu; replaces arginine 124 with leucine.
Molecular consequence: missense variant.
Genome position (GRCh38, 1-based): chr18:31,598,602, G>T. VCF-style: chr18-31598602-G-T. GRCh37 (hg19) VCF-style: chr18-29178565-G-T.
Other names: short protein forms R124L.
Identifiers: ClinVar variation 3693050 (VCV003693050.2).
Genomic context (GRCh38, chr18:31,598,602, plus strand): 5'-ATGGATCTGTCTGTCTTCTCTCATAGGTGGTATTCACAGCCAACGACTCCGGCCCCCGCC[G>T]CTACACCATTGCCGCCCTGCTGAGCCCCTACTCCTATTCCACCACGGCTGTCGTCACCAA-3'
Protein context (NP_000362.1, residues 114-134): VFTANDSGPR[Arg124Leu]YTIAALLSPY